The following is an entry in ClinVar:

NM_020312.4(COQ9):c.124G>T (p.Val42Leu)

Gene: COQ9 (coenzyme Q9; plus strand). Cytogenetic location: 16q21.
Variant type: single nucleotide variant.
Coding change: c.124G>T on transcript NM_020312.4 (MANE Select); coding-DNA position 124, G replaced by T.
Protein change: p.Val42Leu; replaces valine 42 with leucine.
Molecular consequence: missense variant.
Genome position (GRCh38, 1-based): chr16:57,451,090, G>T. VCF-style: chr16-57451090-G-T. GRCh37 (hg19) VCF-style: chr16-57485002-G-T.
Other names: short protein forms V42L.
Identifiers: ClinVar variation 2199291 (VCV002199291.2), dbSNP rs762299768, ClinGen allele CA396026604.

ClinVar aggregate classification (germline): Uncertain significance (1 of 4 stars; one submission).

Allele frequency attached by ClinVar (database versions not stated): gnomAD exomes 0.00001.
gnomAD v4.1: 4 of 1,614,156 alleles (0.00025%); highest among the groups gnomAD compares: Non-Finnish European, 0.00034%; no homozygotes.

Submission:

Labcorp Genetics (formerly Invitae), Labcorp
Classification: Uncertain significance. Last evaluated: 2021-12-30. Review status: criteria provided, single submitter. Criteria: Invitae Variant Classification Sherloc (09022015). Collection method: clinical testing. Allele origin: germline.
Comment: In summary, the available evidence is currently insufficient to determine the role of this variant in disease. Therefore, it has been classified as a Variant of Uncertain Significance. Algorithms developed to predict the effect of missense changes on protein structure and function output the following: SIFT: "Tolerated"; PolyPhen-2: "Benign"; Align-GVGD: "Class C0". The leucine amino acid residue is found in multiple mammalian species, which suggests that this missense change does not adversely affect protein function. This variant has not been reported in the literature in individuals affected with COQ9-related conditions. This variant is not present in population databases (gnomAD no frequency). This sequence change replaces valine, which is neutral and non-polar, with leucine, which is neutral and non-polar, at codon 42 of the COQ9 protein (p.Val42Leu).